The following is an entry in ClinVar:

NM_000059.4(BRCA2):c.8332-2756T>G

Gene: BRCA2 (BRCA2 DNA repair associated; plus strand). Cytogenetic location: 13q13.1.
Variant type: single nucleotide variant.
Coding change: c.8332-2756T>G on transcript NM_000059.4 (MANE Select); 2756 bases into the intron before coding-DNA position 8332, T replaced by G.
Molecular consequence: intron variant.
Genome position (GRCh38, 1-based): chr13:32,367,646, T>G. VCF-style: chr13-32367646-T-G. GRCh37 (hg19) VCF-style: chr13-32941783-T-G.
Other names: IVS 18-2756T>G.
Identifiers: ClinVar variation 209799 (VCV000209799.1), dbSNP rs149912422, ClinGen allele CA276767.

ClinVar aggregate classification (germline): Benign (3 of 4 stars; one submission).

Conditions:
Breast-ovarian cancer, familial, susceptibility to, 2 (BROVCA2). Also called: BRCA2 Hereditary Breast and Ovarian Cancer. Identifiers: Orphanet 145, MedGen C2675520, MONDO:0012933, OMIM 612555. Disease mechanism: loss of function.

Allele frequency attached by ClinVar (database versions not stated): gnomAD 0.00278 and 0.00304; TOPMed 0.00330; 1000 Genomes Project 0.00339; 1000 Genomes Project 30x 0.00344.
gnomAD v4.1: 417 of 151,906 alleles (0.27%); highest among the groups gnomAD compares: African/African-American, 0.95%; 2 homozygotes.

Submission:

Evidence-based Network for the Interpretation of Germline Mutant Alleles (ENIGMA)
Classification: Benign for Breast-ovarian cancer, familial 2. Last evaluated: 2015-01-12. Review status: reviewed by expert panel. Criteria: ENIGMA BRCA1/2 Classification Criteria (2015). Collection method: curation. Allele origin: germline.
Comment: Class 1 not pathogenic based on frequency >1% in an outbred sampleset. Frequency 0.02236 (African), derived from 1000 genomes (2012-04-30).